The following is an entry in ClinVar:

NM_016955.4(SEPSECS):c.1027-7G>A

Gene: SEPSECS (Sep (O-phosphoserine) tRNA:Sec (selenocysteine) tRNA synthase; minus strand). Cytogenetic location: 4p15.2.
Variant type: single nucleotide variant.
Coding change: c.1027-7G>A on transcript NM_016955.4 (MANE Select); 7 bases into the intron before coding-DNA position 1027, G replaced by A.
Molecular consequence: intron variant.
Genome position (GRCh38, 1-based): chr4:25,127,364, C>T on the plus strand (G>A on the coding strand, the complement: SEPSECS is on the minus strand). VCF-style: chr4-25127364-C-T. GRCh37 (hg19) VCF-style: chr4-25128986-C-T.
Identifiers: ClinVar variation 695409 (VCV000695409.17), dbSNP rs374407543, ClinGen allele CA2877260.

ClinVar aggregate classification (germline): Conflicting classifications of pathogenicity. Review status: criteria provided, conflicting classifications (1 of 4 stars). 4 submissions from 4 submitters: Uncertain significance (1); Likely benign (1). 2 of the submissions do not count toward it. Last evaluated 2025-02-18.

Conditions:
SEPSECS-related disorder. Also called: SEPSECS-related condition.
Pontocerebellar hypoplasia type 2D (PCH2D). Also called: Progressive cerebello-cerebral atrophy. Identifiers: Orphanet 247198, Orphanet 2524, MedGen C3151140, MONDO:0013438, OMIM 613811.

Allele frequency attached by ClinVar (database versions not stated): gnomAD exomes 0.00003 and 0.00006; ExAC 0.00006; TOPMed 0.00007; gnomAD 0.00010 and 0.00011; ESP Exome Variant Server 0.00015.
gnomAD v4.1: 98 of 1,597,074 alleles (0.0061%); highest among the groups gnomAD compares: Non-Finnish European, 0.0082%; no homozygotes.

Submissions (4):

Labcorp Genetics (formerly Invitae), Labcorp
Classification: Likely benign. Last evaluated: 2025-02-18. Review status: criteria provided, single submitter. Criteria: Invitae Variant Classification Sherloc (09022015). Collection method: clinical testing. Allele origin: germline.

Illumina Laboratory Services, Illumina
Classification: Uncertain significance for Pontocerebellar hypoplasia type 2D. Last evaluated: 2018-01-13. Review status: criteria provided, single submitter. Criteria: ICSL Variant Classification Criteria 13 December 2019. Collection method: clinical testing. Allele origin: germline.

PreventionGenetics, part of Exact Sciences
Classification: Likely benign for SEPSECS-related condition. Last evaluated: 2022-02-21. Review status: no assertion criteria provided. Collection method: clinical testing. Allele origin: germline. Not counted in ClinVar's aggregate classification.
Comment: This variant is classified as likely benign based on ACMG/AMP sequence variant interpretation guidelines (Richards et al. 2015 PMID: 25741868, with internal and published modifications).

Natera, Inc.
Classification: Uncertain significance for Pontocerebellar hypoplasia type 2d. Last evaluated: 2020-01-24. Review status: no assertion criteria provided. Collection method: clinical testing. Allele origin: germline. Not counted in ClinVar's aggregate classification.